The following is an entry in ClinVar:

NM_138413.4(HOGA1):c.733G>A (p.Val245Ile)

Gene: HOGA1 (4-hydroxy-2-oxoglutarate aldolase 1; plus strand). Cytogenetic location: 10q24.2.
Variant type: single nucleotide variant.
Coding change: c.733G>A on transcript NM_138413.4 (MANE Select); coding-DNA position 733, G replaced by A.
Protein change: p.Val245Ile; replaces valine 245 with isoleucine.
Molecular consequence: missense variant.
Genome position (GRCh38, 1-based): chr10:97,601,889, G>A. VCF-style: chr10-97601889-G-A. GRCh37 (hg19) VCF-style: chr10-99361646-G-A.
Other names: c.244G>A, p.Val82Ile (NM_001134670.2); short protein forms V245I, V82I.
Identifiers: ClinVar variation 204275 (VCV000204275.6), dbSNP rs755562733, ClinGen allele CA203959.

ClinVar aggregate classification (germline): Pathogenic/Likely pathogenic. Review status: criteria provided, multiple submitters, no conflicts (2 of 4 stars). 3 submissions from 3 submitters: Pathogenic (1); Likely pathogenic (1). 1 of the submissions does not count toward it. Last evaluated 2025-12-01.

Conditions:
Primary hyperoxaluria type 3. Also called: PH III. Identifiers: Orphanet 416, Orphanet 93600, MedGen C3150878, MONDO:0013327, OMIM 613616. Disease mechanism: loss of function.

Allele frequency attached by ClinVar (database versions not stated): TOPMed 0.00002.
gnomAD v4.1: 9 of 1,612,556 alleles (0.00056%); highest among the groups gnomAD compares: Non-Finnish European, 0.00076%; no homozygotes.

Submissions (3):

Labcorp Genetics (formerly Invitae), Labcorp
Classification: Pathogenic. Last evaluated: 2025-12-01. Review status: criteria provided, single submitter. Criteria: Invitae Variant Classification Sherloc (09022015). Collection method: clinical testing. Allele origin: germline.
Comment: This sequence change replaces valine, which is neutral and non-polar, with isoleucine, which is neutral and non-polar, at codon 245 of the HOGA1 protein (p.Val245Ile). This variant is present in population databases (rs755562733, gnomAD 0.002%). This missense change has been observed in individual(s) with primary hyperoxaluria type 3 (PMID: 22781098). ClinVar contains an entry for this variant (Variation ID: 204275). Invitae Evidence Modeling of protein sequence and biophysical properties (such as structural, functional, and spatial information, amino acid conservation, physicochemical variation, residue mobility, and thermodynamic stability) has been performed for this missense variant. However, the output from this modeling did not meet the statistical confidence thresholds required to predict the impact of this variant on HOGA1 protein function. For these reasons, this variant has been classified as Pathogenic.

Natera, Inc.
Classification: Likely pathogenic for Primary hyperoxaluria type III. Last evaluated: 2025-09-18. Review status: criteria provided, single submitter. Criteria: Natera Variant Classification Schema (03/2026). Collection method: clinical testing. Allele origin: germline.
Comment: The c.733G>A variant in HOGA1 is a missense variant predicted to cause substitution of valine to isoleucine at amino acid 245. This variant is rare in the general population with a frequency below the threshold expected for the associated phenotype(s). This variant has been observed in one or more individuals affected with the associated recessive disease, as either homozygous or compound heterozygous with a second variant (PMID: 22781098). Additionally, this variant has been observed to segregate in affected family members (PMID: 2278109). A different variant at the same position has been determined to be Pathogenic or Likely Pathogenic. Given the available evidence, this variant is classified as Likely Pathogenic.

Clinical Biochemistry Laboratory, Health Services Laboratory
Classification: Pathogenic for Primary hyperoxaluria, type III. Last evaluated: 2014-11-27. Review status: no assertion criteria provided. Collection method: research. Allele origin: germline. Affected: yes. Not counted in ClinVar's aggregate classification.

Literature cited by the submitters: PubMed 22781098 (cited by 3 submitters); PubMed 2278109 (cited by Natera, Inc.).